The following is an entry in ClinVar:

NM_022114.4(PRDM16):c.1186+218G>A

Gene: PRDM16 (PR/SET domain 16; plus strand). Cytogenetic location: 1p36.32.
Variant type: single nucleotide variant.
Coding change: c.1186+218G>A on transcript NM_022114.4 (MANE Select); 218 bases into the intron after coding-DNA position 1186, G replaced by A.
Molecular consequence: intron variant.
Genome position (GRCh38, 1-based): chr1:3,405,866, G>A. VCF-style: chr1-3405866-G-A. GRCh37 (hg19) VCF-style: chr1-3322430-G-A.
Other names: c.1186+218G>A (NM_199454.3).
Identifiers: ClinVar variation 675427 (VCV000675427.1), dbSNP rs77862416, ClinGen allele CA17020059.
Genomic context (GRCh38, chr1:3,405,866, plus strand): 5'-AGCCTGGTCCCCGGCAGGCACCCTCTGAGTTTGTCCCTCACTGCTCCCCTTCCCCATCCC[G>A]TCCTCCTCCACGGCTCCCCTTGCTTCACCTCACAGGGGCTGGAGGGGGGCAGTGGGTGAT-3'

ClinVar aggregate classification (germline): Benign (1 of 4 stars; one submission).

Allele frequency attached by ClinVar (database versions not stated): 1000 Genomes Project 30x 0.02061; 1000 Genomes Project 0.02157; gnomAD 0.03932 and 0.04015; TOPMed 0.04024.
gnomAD v4.1: 6,032 of 152,270 alleles (4%); highest among the groups gnomAD compares: Middle Eastern, 8.8%; 154 homozygotes.

Submission:

GeneDx
Classification: Benign. Last evaluated: 2018-06-14. Review status: criteria provided, single submitter. Criteria: GeneDx Variant Classification (06012015). Collection method: clinical testing. Allele origin: germline. Affected: yes.
Comment: This variant is considered likely benign or benign based on one or more of the following criteria: it is a conservative change, it occurs at a poorly conserved position in the protein, it is predicted to be benign by multiple in silico algorithms, and/or has population frequency not consistent with disease.